The following is an entry in ClinVar:

ClinVar aggregate classification (germline): Likely pathogenic; risk factor. Review status: criteria provided, multiple submitters, no conflicts (2 of 4 stars). 2 submissions from 2 submitters: Likely pathogenic (1). Last evaluated 2021-06-10.

Conditions:
Conotruncal heart malformations (CTHM). Also called: Conotruncal heart malformations, variable. Identifiers: Orphanet 2445, Orphanet 3384, Orphanet 3426, MedGen C1857586, MONDO:0016581, OMIM 217095.
Cerebral palsy. Identifiers: MedGen C0007789, MONDO:0006497, HP:0100021.

Submissions (2):

Neurogenetics Research Program, University of Adelaide
Classification: risk factor for Cerebral palsy. Last evaluated: 2021-06-10. Review status: criteria provided, single submitter. Criteria: ACMG Guidelines, 2015. Collection method: research. Allele origin: unknown. Affected: yes. Observed: 1 variant allele.
Comment: Variant in homeodomain, other variants in this domain have been reported to predispose to congenital heart disease and stroke (PMID: 25195019, PMID: 25319568)

Revvity Omics, Revvity
Classification: Likely pathogenic for Conotruncal heart malformations. Last evaluated: 2020-03-09. Review status: criteria provided, single submitter. Criteria: ACMG Guidelines, 2015. Collection method: clinical testing. Allele origin: germline.

NM_001136271.3(NKX2-6):c.455dup (p.Gln153fs)

Gene: NKX2-6 (NK2 homeobox 6; minus strand). Cytogenetic location: 8p21.2.
Variant type: Duplication.
Coding change: c.455dup on transcript NM_001136271.3 (MANE Select); coding-DNA position 455, one base duplicated (A; older notation c.455dupA).
Protein change: p.Gln153fs; shifts the reading frame from glutamine 153.
Molecular consequence: frameshift variant.
Genome position (GRCh38, 1-based): chr8:23,702,902, T duplicated on the plus strand (A on the coding strand, the reverse complement: NKX2-6 is on the minus strand); the first of 2 consecutive T bases (chr8:23,702,902-23,702,903); duplicating either gives the same sequence. VCF-style (leftmost placement, unchanged base first): chr8-23702901-C-CT. GRCh37 (hg19) VCF-style: chr8-23560414-C-CT.
Other names: c.455dup (NM_001136271.2); short protein forms Q153fs.
Identifiers: ClinVar variation 1172828 (VCV001172828.5), dbSNP rs757292066, ClinGen allele CA4677975.
Genomic context (GRCh38, chr8:23,702,901, plus strand): 5'-CGTGAGCTGCAGCGCGCTGGCCAGGTGCTCGCGCTCGGGCGCTGACAGGTACCGCTGCTG[C>CT]TTGAAGCGCCGCTCCAGGGCCAGCACCTGCGCCTGCGAAAAGAGCACGCGCGGCTTCCGT-3'